The following is an entry in ClinVar:

NM_004985.5(KRAS):c.451-5518T>C

Gene: KRAS (KRas proto-oncogene, GTPase; minus strand). Cytogenetic location: 12p12.1.
Variant type: single nucleotide variant.
Coding change: c.451-5518T>C on transcript NM_004985.5 (MANE Select); 5518 bases into the intron before coding-DNA position 451, T replaced by C.
Molecular consequence: intron variant.
Genome position (GRCh38, 1-based): chr12:25,215,429, A>G on the plus strand (T>C on the coding strand, the complement: KRAS is on the minus strand). VCF-style: chr12-25215429-A-G. GRCh37 (hg19) VCF-style: chr12-25368363-A-G.
Other names: c.451-5518T>C (NM_001369787.1); c.*4+8T>C (NM_001369786.1, NM_033360.4).
Identifiers: ClinVar variation 505777 (VCV000505777.5), dbSNP rs752925099, ClinGen allele CA6486846.
Genomic context (GRCh38, chr12:25,215,429, plus strand): 5'-TTGCCACCTTGTTACCTTTAAAAGACATCTGCTTTCTGCCAAAATTAATGTGCTGAACTT[A>G]AACTTACCAGATTACATTATAATGCATTTTTTAATTTTCACACAGCCAGGAGTCTTTTCT-3'

ClinVar aggregate classification (germline): Conflicting classifications of pathogenicity. Review status: criteria provided, conflicting classifications (1 of 4 stars). 2 submissions from 2 submitters: Uncertain significance (1); Likely benign (1). Last evaluated 2024-07-17.

Allele frequency attached by ClinVar (database versions not stated): ExAC 0.00001; gnomAD exomes 0.00002 and 0.00004; TOPMed 0.00002; gnomAD 0.00004.
gnomAD v4.1: 28 of 1,613,210 alleles (0.0017%); highest among the groups gnomAD compares: Non-Finnish European, 0.0024%; no homozygotes.

Submissions (2):

Blueprint Genetics
Classification: Likely benign. Last evaluated: 2024-07-17. Review status: criteria provided, single submitter. Criteria: ACMG Guidelines, 2015. Collection method: clinical testing. Allele origin: germline.

Laboratory for Molecular Medicine, Mass General Brigham Personalized Medicine
Classification: Uncertain significance. Last evaluated: 2017-04-14. Review status: criteria provided, single submitter. Criteria: LMM Criteria. Collection method: clinical testing. Allele origin: germline. Observed: 1 variant allele.
Comment: The *4+8T>C variant in KRAS has not been previously reported in affected individ uals. This variant has been identified in 5/111504 European chromosomes by the G enome Aggregation Database (gnomAD; dbSNP rs75 2925099). Please note that for diseases with clinical variability, reduced penet rance, or recessive inheritance, pathogenic variants may be present at a low fre quency in the general population. Conservation analysis suggest that the *4+8T>C variant may not impact the protein, though this information is not predictive e nough to rule out pathogenicity. Please note, this variant occurs near an altern ative transcript. Functional studies provide some evidence that mice lacking thi s alternate transcript are viable, fertile, and show no histopathological abnorm alities (Plowman 2003). In summary, the clinical significance of the *4+8T>C va riant is uncertain.